The following is an entry in ClinVar:

NM_032043.3(BRIP1):c.380-2964T>A

Gene: BRIP1 (BRCA1 interacting DNA helicase 1; minus strand). Cytogenetic location: 17q23.2.
Variant type: single nucleotide variant.
Coding change: c.380-2964T>A on transcript NM_032043.3 (MANE Select); 2964 bases into the intron before coding-DNA position 380, T replaced by A.
Molecular consequence: intron variant.
Genome position (GRCh38, 1-based): chr17:61,852,220, A>T on the plus strand (T>A on the coding strand, the complement: BRIP1 is on the minus strand). VCF-style: chr17-61852220-A-T. GRCh37 (hg19) VCF-style: chr17-59929581-A-T.
Identifiers: ClinVar variation 3755130 (VCV003755130.2).

ClinVar aggregate classification (germline): Uncertain significance (1 of 4 stars; one submission).

Conditions:
Fanconi anemia complementation group J. Also called: BRIP1-Related Fanconi Anemia. Identifiers: Orphanet 84, MedGen C1836860, MONDO:0012187, OMIM 609054.
Familial cancer of breast. Also called: BREAST CANCER, FAMILIAL; Hereditary breast cancer; hereditary breast carcinoma. Identifiers: Orphanet 227535, MedGen C0346153, MONDO:0016419, OMIM 114480. Disease mechanism: loss of function.

Submission:

Labcorp Genetics (formerly Invitae), Labcorp
Classification: Uncertain significance for Familial cancer of breast; Fanconi anemia complementation group J. Last evaluated: 2024-03-05. Review status: criteria provided, single submitter. Criteria: Invitae Variant Classification Sherloc (09022015). Collection method: clinical testing. Allele origin: germline.
Comment: This sequence change falls in intron 4 of the BRIP1 gene. It does not directly change the encoded amino acid sequence of the BRIP1 protein. RNA analysis indicates that this variant induces altered splicing and may result in an absent or disrupted protein product. This variant is not present in population databases (gnomAD no frequency). This variant has not been reported in the literature in individuals affected with BRIP1-related conditions. Studies have shown that this variant results in activation of a cryptic splice site and introduces a premature termination codon (Invitae). The resulting mRNA is expected to undergo nonsense-mediated decay. In summary, the available evidence is currently insufficient to determine the role of this variant in disease. Therefore, it has been classified as a Variant of Uncertain Significance.